The following is an entry in ClinVar:

NM_000059.4(BRCA2):c.2655del (p.Asp885fs)

Gene: BRCA2 (BRCA2 DNA repair associated; plus strand). Cytogenetic location: 13q13.1.
Variant type: Deletion.
Coding change: c.2655del on transcript NM_000059.4 (MANE Select); coding-DNA position 2655, one base deleted (C; older notation c.2655delC).
Protein change: p.Asp885fs; shifts the reading frame from aspartic acid 885.
Molecular consequence: frameshift variant. On other transcripts: non-coding transcript variant (1), intron variant (2).
Genome position (GRCh38, 1-based): chr13:32,337,010, C deleted. VCF-style (leftmost placement, unchanged base first): chr13-32337009-AC-A. GRCh37 (hg19) VCF-style: chr13-32911146-AC-A.
Other names: c.2655del, p.Asp885fs (NM_001406719.1, NM_001406720.1); c.1909+3623del (NM_001406721.1); c.424+5980del (NM_001406722.1); short protein forms D885fs.
Identifiers: ClinVar variation 3261585 (VCV003261585.1).
Genomic context (GRCh38, chr13:32,337,009, plus strand): 5'-AAGAAACTACTTCAATTTCAAAAATAACTGTCAATCCAGACTCTGAAGAACTTTTCTCAG[AC>A]AATGAGAATAATTTTGTCTTCCAAGTAGCTAATGAAAGGAATAATCTTGCTTTAGGAAAT-3'

ClinVar aggregate classification (germline): Pathogenic (1 of 4 stars; one submission).

Conditions:
Hereditary cancer-predisposing syndrome. Also called: Hereditary Cancer Syndrome; Tumor predisposition; Hereditary neoplastic syndrome; Neoplastic Syndromes, Hereditary. Identifiers: Orphanet 140162, MedGen C0027672, MeSH D009386, MONDO:0015356.

Submission:

Ambry Genetics
Classification: Pathogenic for Hereditary cancer-predisposing syndrome. Last evaluated: 2024-04-08. Review status: criteria provided, single submitter. Criteria: Ambry Variant Classification Scheme 2023. Collection method: clinical testing. Allele origin: germline.
Comment: The c.2655delC pathogenic mutation, located in coding exon 10 of the BRCA2 gene, results from a deletion of one nucleotide at nucleotide position 2655, causing a translational frameshift with a predicted alternate stop codon (p.D885Efs*10). This variant is considered to be rare based on population cohorts in the Genome Aggregation Database (gnomAD). This alteration is expected to result in loss of function by premature protein truncation or nonsense-mediated mRNA decay. As such, this alteration is interpreted as a disease-causing mutation.